The following is an entry in ClinVar:

NM_004329.3(BMPR1A):c.-43A>G

Gene: BMPR1A (bone morphogenetic protein receptor type 1A; plus strand). Cytogenetic location: 10q23.2.
Variant type: single nucleotide variant.
Coding change: c.-43A>G on transcript NM_004329.3 (MANE Select); 43 bases upstream of the start codon, A replaced by G.
Molecular consequence: 5 prime UTR variant.
Genome position (GRCh38, 1-based): chr10:86,875,976, A>G. VCF-style: chr10-86875976-A-G. GRCh37 (hg19) VCF-style: chr10-88635733-A-G.
Identifiers: ClinVar variation 377564 (VCV000377564.1), dbSNP rs757299584, ClinGen allele CA5585396.

ClinVar aggregate classification (germline): Likely benign (1 of 4 stars; one submission).

Allele frequency attached by ClinVar (database versions not stated): gnomAD 0.00001; TOPMed 0.00001 and below 0.00001; gnomAD exomes below 0.00001; ExAC 0.00001.

Submission:

GeneDx
Classification: Likely benign. Last evaluated: 2016-11-12. Review status: criteria provided, single submitter. Criteria: GeneDx Variant Classification (06012015). Collection method: clinical testing. Allele origin: germline. Affected: yes.
Comment: This variant is considered likely benign or benign based on one or more of the following criteria: it is a conservative change, it occurs at a poorly conserved position in the protein, it is predicted to be benign by multiple in silico algorithms, and/or has population frequency not consistent with disease.